The following is an entry in ClinVar:

ClinVar aggregate classification (germline): Uncertain significance (1 of 4 stars; one submission).

Conditions:
Tumor predisposition syndrome 3 (TPDS3). Also called: Melanoma, cutaneous malignant, susceptibility to, 10; Glioma susceptibility 9; LONG TELOMERE SYNDROME, POT1-RELATED; POT1 Tumor Predisposition. Identifiers: Orphanet 618, MedGen C4014476, MONDO:0014368, OMIM 615848.

Allele frequency attached by ClinVar (database versions not stated): gnomAD exomes below 0.00001.
gnomAD v4.1: 5 of 1,611,812 alleles (0.00031%); highest among the groups gnomAD compares: Non-Finnish European, 0.00034%; no homozygotes.

Submission:

Labcorp Genetics (formerly Invitae), Labcorp
Classification: Uncertain significance for Tumor predisposition syndrome 3. Last evaluated: 2023-11-17. Review status: criteria provided, single submitter. Criteria: Invitae Variant Classification Sherloc (09022015). Collection method: clinical testing. Allele origin: germline.
Comment: This sequence change replaces aspartic acid, which is acidic and polar, with histidine, which is basic and polar, at codon 304 of the POT1 protein (p.Asp304His). This variant is not present in population databases (gnomAD no frequency). This variant has not been reported in the literature in individuals affected with POT1-related conditions. Advanced modeling of protein sequence and biophysical properties (such as structural, functional, and spatial information, amino acid conservation, physicochemical variation, residue mobility, and thermodynamic stability) performed at Invitae indicates that this missense variant is not expected to disrupt POT1 protein function with a negative predictive value of 80%. In summary, the available evidence is currently insufficient to determine the role of this variant in disease. Therefore, it has been classified as a Variant of Uncertain Significance.

NM_015450.3(POT1):c.910G>C (p.Asp304His)

Gene: POT1 (protection of telomeres 1; minus strand). Cytogenetic location: 7q31.33.
Variant type: single nucleotide variant.
Coding change: c.910G>C on transcript NM_015450.3 (MANE Select); coding-DNA position 910, G replaced by C.
Protein change: p.Asp304His; replaces aspartic acid 304 with histidine.
Molecular consequence: missense variant. On other transcripts: non-coding transcript variant (3).
Genome position (GRCh38, 1-based): chr7:124,851,911, C>G on the plus strand (G>C on the coding strand, the complement: POT1 is on the minus strand). VCF-style: chr7-124851911-C-G. GRCh37 (hg19) VCF-style: chr7-124491965-C-G.
Other names: c.517G>C, p.Asp173His (NM_001042594.2); short protein forms D304H, D173H.
Identifiers: ClinVar variation 3020212 (VCV003020212.3), dbSNP rs2485437069, ClinGen allele CA369054389.